The following is an entry in ClinVar:

ClinVar aggregate classification (germline): Uncertain significance. Review status: criteria provided, multiple submitters, no conflicts (2 of 4 stars). 2 submissions from 2 submitters: Uncertain significance (2). Last evaluated 2025-07-08.

Conditions:
Tuberous sclerosis 2 (TSC2). Identifiers: Orphanet 805, MedGen C1860707, MONDO:0013199, OMIM 613254.

gnomAD v4.1: 1 of 1,612,966 alleles (0.000062%); highest among the groups gnomAD compares: Non-Finnish European, 0.000085%; no homozygotes.

Submissions (2):

Labcorp Genetics (formerly Invitae), Labcorp
Classification: Uncertain significance for Tuberous sclerosis 2. Last evaluated: 2025-07-08. Review status: criteria provided, single submitter. Criteria: Invitae Variant Classification Sherloc (09022015). Collection method: clinical testing. Allele origin: germline.
Comment: This sequence change replaces arginine, which is basic and polar, with glycine, which is neutral and non-polar, at codon 1245 of the TSC2 protein (p.Arg1245Gly). This variant is not present in population databases (gnomAD no frequency). This variant has not been reported in the literature in individuals affected with TSC2-related conditions. ClinVar contains an entry for this variant (Variation ID: 1309551). Invitae Evidence Modeling of protein sequence and biophysical properties (such as structural, functional, and spatial information, amino acid conservation, physicochemical variation, residue mobility, and thermodynamic stability) indicates that this missense variant is not expected to disrupt TSC2 protein function with a negative predictive value of 95%. In summary, the available evidence is currently insufficient to determine the role of this variant in disease. Therefore, it has been classified as a Variant of Uncertain Significance.

GeneDx
Classification: Uncertain significance. Last evaluated: 2019-10-16. Review status: criteria provided, single submitter. Criteria: GeneDx Variant Classification Process June 2021. Collection method: clinical testing. Allele origin: germline. Affected: yes.
Comment: Not observed in large population cohorts (Lek 2016); In silico analysis, which includes protein predictors and evolutionary conservation, supports that this variant does not alter protein structure/function; Has not been previously published as pathogenic or benign to our knowledge

NM_000548.5(TSC2):c.3733C>G (p.Arg1245Gly)

Gene: TSC2 (TSC complex subunit 2; plus strand). Cytogenetic location: 16p13.3.
Variant type: single nucleotide variant.
Coding change: c.3733C>G on transcript NM_000548.5 (MANE Select); coding-DNA position 3733, C replaced by G.
Protein change: p.Arg1245Gly; replaces arginine 1245 with glycine.
Molecular consequence: missense variant.
Genome position (GRCh38, 1-based): chr16:2,081,717, C>G. VCF-style: chr16-2081717-C-G. GRCh37 (hg19) VCF-style: chr16-2131718-C-G.
Other names: c.3601C>G, p.Arg1201Gly (NM_001077183.3, NM_001370404.1); c.3733C>G, p.Arg1245Gly (NM_001114382.3); c.3493C>G, p.Arg1165Gly (NM_001318827.2); c.3457C>G, p.Arg1153Gly (NM_001318829.2); c.3001C>G, p.Arg1001Gly (NM_001318831.2); c.3634C>G, p.Arg1212Gly (NM_001318832.2); c.3604C>G, p.Arg1202Gly (NM_001363528.2, NM_001370405.1, NM_021055.3); short protein forms R1001G, R1153G, R1165G, R1201G, R1202G, R1212G, R1245G.
Identifiers: ClinVar variation 1309551 (VCV001309551.3), dbSNP rs777489742, ClinGen allele CA394292910.